The following is an entry in ClinVar:

NM_000388.4(CASR):c.1287C>A (p.His429Gln)

Gene: CASR (calcium sensing receptor; plus strand). Cytogenetic location: 3q21.1.
Variant type: single nucleotide variant.
Coding change: c.1287C>A on transcript NM_000388.4 (MANE Select); coding-DNA position 1287, C replaced by A.
Protein change: p.His429Gln; replaces histidine 429 with glutamine.
Molecular consequence: missense variant.
Genome position (GRCh38, 1-based): chr3:122,262,322, C>A. VCF-style: chr3-122262322-C-A. GRCh37 (hg19) VCF-style: chr3-121981169-C-A.
Other names: c.1287C>A, p.His429Gln (NM_001178065.2); short protein forms H429Q.
Identifiers: ClinVar variation 463895 (VCV000463895.15), dbSNP rs746515147, ClinGen allele CA2569619.
Genomic context (GRCh38, chr3:122,262,322, plus strand): 5'-AGATTACACGCATTTACGGATATCCTACAATGTGTACTTAGCAGTCTACTCCATTGCCCA[C>A]GCCTTGCAAGATATATATACCTGCTTACCTGGGAGAGGGCTCTTCACCAATGGCTCCTGT-3'
Protein context (NP_000379.3, residues 419-439): NVYLAVYSIA[His429Gln]ALQDIYTCLP

ClinVar aggregate classification (germline): Uncertain significance. Review status: criteria provided, multiple submitters, no conflicts (2 of 4 stars). 3 submissions from 3 submitters: Uncertain significance (3). Last evaluated 2025-04-17.

Conditions:
Nephrolithiasis/nephrocalcinosis. Identifiers: MedGen CN580796.
Familial hypocalciuric hypercalcemia (FHH). Also called: Familial benign hypercalcemia. Identifiers: Orphanet 405, MedGen C1809471, MONDO:0018458.
Autosomal dominant hypocalcemia 1 (HYPOC1). Also called: HYPOCALCEMIA, FAMILIAL. Identifiers: MedGen C3715128, MONDO:0011013, OMIM 601198.
Familial hypocalciuric hypercalcemia 1. Also called: Hypercalcemia, familial benign type 1. Identifiers: Orphanet 405, Orphanet 93372, MedGen C0342637, MONDO:0007791, OMIM 145980.
Neonatal severe primary hyperparathyroidism. Identifiers: Orphanet 417, MedGen C1832615, MONDO:0009397, OMIM 239200.
Epilepsy, idiopathic generalized, susceptibility to, 8. Identifiers: MedGen C2752062, MONDO:0013032, OMIM 612899.

Allele frequency attached by ClinVar (database versions not stated): TOPMed 0.00002.

Submissions (3):

Labcorp Genetics (formerly Invitae), Labcorp
Classification: Uncertain significance for Familial hypocalciuric hypercalcemia; Autosomal dominant hypocalcemia 1. Last evaluated: 2025-04-17. Review status: criteria provided, single submitter. Criteria: Invitae Variant Classification Sherloc (09022015). Collection method: clinical testing. Allele origin: germline.
Comment: This sequence change replaces histidine, which is basic and polar, with glutamine, which is neutral and polar, at codon 429 of the CASR protein (p.His429Gln). This variant is present in population databases (rs746515147, gnomAD 0.02%). This missense change has been observed in individual(s) with hypoparathyroidism and/or primary hyperparathyroidism (PMID: 31433868, 35586626). ClinVar contains an entry for this variant (Variation ID: 463895). An algorithm developed to predict the effect of missense changes on protein structure and function (PolyPhen-2) suggests that this variant is likely to be tolerated. In summary, the available evidence is currently insufficient to determine the role of this variant in disease. Therefore, it has been classified as a Variant of Uncertain Significance.

Fulgent Genetics
Classification: Uncertain significance for Familial hypocalciuric hypercalcemia 1; Neonatal severe primary hyperparathyroidism; Autosomal dominant hypocalcemia 1; Epilepsy, idiopathic generalized, susceptibility to, 8. Last evaluated: 2023-12-29. Review status: criteria provided, single submitter. Criteria: ACMG Guidelines, 2015. Collection method: clinical testing. Allele origin: germline.

Ambry Genetics
Classification: Uncertain significance for Nephrolithiasis/nephrocalcinosis. Last evaluated: 2023-04-25. Review status: criteria provided, single submitter. Criteria: Ambry Variant Classification Scheme 2023. Collection method: clinical testing. Allele origin: germline.
Comment: The p.H429Q variant (also known as c.1287C>A), located in coding exon 3 of the CASR gene, results from a C to A substitution at nucleotide position 1287. The histidine at codon 429 is replaced by glutamine, an amino acid with highly similar properties. This amino acid position is well conserved in available vertebrate species. In addition, this alteration is predicted to be tolerated by in silico analysis. Since supporting evidence is limited at this time, the clinical significance of this alteration remains unclear.

Literature cited by the submitters: PubMed 31433868 (cited by Labcorp Genetics (formerly Invitae), Labcorp); PubMed 35586626 (cited by Labcorp Genetics (formerly Invitae), Labcorp).